The following is an entry in ClinVar:

ClinVar aggregate classification (germline): Benign/Likely benign. Review status: criteria provided, multiple submitters, no conflicts (2 of 4 stars). 3 submissions from 3 submitters: Benign (1); Likely benign (1). 1 of the submissions does not count toward it. Last evaluated 2026-02-01.

Conditions:
GRIA4-related disorder. Also called: GRIA4-related condition.

Allele frequency attached by ClinVar (database versions not stated): 1000 Genomes Project 30x 0.00156; TOPMed 0.00169; 1000 Genomes Project 0.00180; ESP Exome Variant Server 0.00254.
gnomAD v4.1: 5,494 of 1,613,436 alleles (0.34%); highest among the groups gnomAD compares: Non-Finnish European, 0.29%; 48 homozygotes.

Submissions (6):

CeGaT Center for Human Genetics Tuebingen
Classification: Likely benign. Last evaluated: 2026-02-01. Review status: criteria provided, single submitter. Criteria: CeGaT Center For Human Genetics Tuebingen Variant Classification Criteria Version 2. Collection method: clinical testing. Allele origin: germline. Affected: yes. Observed: 17 variant alleles.
Comment: GRIA4: BP4, BS1

Labcorp Genetics (formerly Invitae), Labcorp
Classification: Benign. Last evaluated: 2019-12-31. Review status: criteria provided, single submitter. Criteria: Invitae Variant Classification Sherloc (09022015). Collection method: clinical testing. Allele origin: germline.

PreventionGenetics, part of Exact Sciences
Classification: Benign for GRIA4-related condition. Last evaluated: 2024-06-03. Review status: no assertion criteria provided. Collection method: clinical testing. Allele origin: germline. Not counted in ClinVar's aggregate classification.
Comment: This variant is classified as benign based on ACMG/AMP sequence variant interpretation guidelines (Richards et al. 2015 PMID: 25741868, with internal and published modifications).

Dr. Peter K. Rogan Lab, Western University
No classification provided (evidence only). Condition: Clear cell carcinoma of kidney. Review status: no classification provided. Collection method: in vitro. Allele origin: not applicable. Functional consequence: retained intron. Not counted in ClinVar's aggregate classification.

Dr. Peter K. Rogan Lab, Western University
No classification provided (evidence only). Condition: Clear cell carcinoma of kidney. Review status: no classification provided. Collection method: in vitro. Allele origin: not applicable. Functional consequence: retained intron. Not counted in ClinVar's aggregate classification.

Dr. Peter K. Rogan Lab, Western University
No classification provided (evidence only). Condition: Uterine corpus endometrial carcinoma. Review status: no classification provided. Collection method: in vitro. Allele origin: not applicable. Functional consequence: retained intron. Not counted in ClinVar's aggregate classification.

NM_000829.4(GRIA4):c.2410-5C>A

Gene: GRIA4 (glutamate ionotropic receptor AMPA type subunit 4; plus strand). Cytogenetic location: 11q22.3.
Variant type: single nucleotide variant.
Coding change: c.2410-5C>A on transcript NM_000829.4 (MANE Select); 5 bases into the intron before coding-DNA position 2410, C replaced by A.
Molecular consequence: intron variant.
Genome position (GRCh38, 1-based): chr11:105,974,305, C>A. VCF-style: chr11-105974305-C-A. GRCh37 (hg19) VCF-style: chr11-105845032-C-A.
Other names: NC_000011.9:g.105845032C>A; c.2410-5C>A (NM_001077243.3).
Identifiers: ClinVar variation 779265 (VCV000779265.30), dbSNP rs149543824, ClinGen allele CA6258834.